The following is an entry in ClinVar:

ClinVar aggregate classification (germline): Uncertain significance. Review status: criteria provided, multiple submitters, no conflicts (2 of 4 stars). 2 submissions from 2 submitters: Uncertain significance (2). Last evaluated 2025-11-03.

Conditions:
Inborn genetic diseases. Identifiers: MedGen C0950123, MeSH D030342.

gnomAD v4.1: 4 of 1,614,060 alleles (0.00025%); highest among the groups gnomAD compares: South Asian, 0.0033%; no homozygotes.

Submissions (2):

Ambry Genetics
Classification: Uncertain significance for Inborn genetic diseases. Last evaluated: 2025-11-03. Review status: criteria provided, single submitter. Criteria: Ambry Variant Classification Scheme 2023. Collection method: clinical testing. Allele origin: germline.

Labcorp Genetics (formerly Invitae), Labcorp
Classification: Uncertain significance. Last evaluated: 2025-09-24. Review status: criteria provided, single submitter. Criteria: Invitae Variant Classification Sherloc (09022015). Collection method: clinical testing. Allele origin: germline.
Comment: This sequence change replaces leucine, which is neutral and non-polar, with phenylalanine, which is neutral and non-polar, at codon 174 of the SETBP1 protein (p.Leu174Phe). This variant is not present in population databases (gnomAD no frequency). This variant has not been reported in the literature in individuals affected with SETBP1-related conditions. Invitae Evidence Modeling of protein sequence and biophysical properties (such as structural, functional, and spatial information, amino acid conservation, physicochemical variation, residue mobility, and thermodynamic stability) indicates that this missense variant is not expected to disrupt SETBP1 protein function with a negative predictive value of 80%. In summary, the available evidence is currently insufficient to determine the role of this variant in disease. Therefore, it has been classified as a Variant of Uncertain Significance.

NM_015559.3(SETBP1):c.520C>T (p.Leu174Phe)

Gene: SETBP1 (SET binding protein 1; plus strand). Cytogenetic location: 18q12.3.
Variant type: single nucleotide variant.
Coding change: c.520C>T on transcript NM_015559.3 (MANE Select); coding-DNA position 520, C replaced by T.
Protein change: p.Leu174Phe; replaces leucine 174 with phenylalanine.
Molecular consequence: missense variant.
Genome position (GRCh38, 1-based): chr18:44,869,263, C>T. VCF-style: chr18-44869263-C-T. GRCh37 (hg19) VCF-style: chr18-42449228-C-T.
Other names: c.520C>T, p.Leu174Phe (NM_001130110.2, NM_001379141.1, NM_001379142.1 and 1 more transcripts); short protein forms L174F.
Identifiers: ClinVar variation 4630534 (VCV004630534.2).
Genomic context (GRCh38, chr18:44,869,263, plus strand): 5'-TGAGAAAATTTCTTTATTCTTTTGCAGCTCCTCACAGCCAGTGACCTTGCAGCCAGTGAC[C>T]TCAAAGGATTTCAGCCACAGGTAAGTTCCACTGATGCTTTTAAGAAGTTTGGAAGAGTAA-3'
Protein context (NP_056374.2, residues 164-184): LTASDLAASD[Leu174Phe]KGFQPQAYER